The following is an entry in ClinVar:

NC_000011.9:g.(?_612625)_(615384_?)dup

Gene: IRF7 (interferon regulatory factor 7; minus strand). Cytogenetic location: 11p15.5.
Variant type: Duplication.
Identifiers: ClinVar variation 656818 (VCV000656818.1).

ClinVar aggregate classification (germline): Uncertain significance (1 of 4 stars; one submission).

Conditions:
Immunodeficiency 39 (IMD39). Identifiers: Orphanet 574918, MedGen C4225358, MONDO:0014597, OMIM 616345.

Submission:

Labcorp Genetics (formerly Invitae), Labcorp
Classification: Uncertain significance for Immunodeficiency 39. Last evaluated: 2018-10-09. Review status: criteria provided, single submitter. Criteria: Invitae Variant Classification Sherloc (09022015). Collection method: clinical testing. Allele origin: germline.
Comment: This variant results in a copy number gain of the genomic region encompassing the full coding sequence of the IRF7 gene. The boundaries of this event are unknown as they extend beyond the assayed region for this gene and therefore may encompass additional genes. As the precise location of this event is unknown, it may be in tandem or it may be located elsewhere in the genome. This variant has not been reported in the literature in individuals with IRF7-related disease. Experimental studies and prediction algorithms are not available for this variant, and the functional significance of this variant is currently unknown. In summary, the available evidence is currently insufficient to determine the role of this variant in disease. Therefore, it has been classified as a Variant of Uncertain Significance.